The following is an entry in ClinVar:

NM_001875.5(CPS1):c.2033A>G (p.Gln678Arg)

Gene: CPS1 (carbamoyl-phosphate synthase 1; plus strand). Cytogenetic location: 2q34.
Variant type: single nucleotide variant.
Coding change: c.2033A>G on transcript NM_001875.5 (MANE Select); coding-DNA position 2033, A replaced by G.
Protein change: p.Gln678Arg; replaces glutamine 678 with arginine.
Molecular consequence: missense variant. On other transcripts: non-coding transcript variant (2).
Genome position (GRCh38, 1-based): chr2:210,606,782, A>G. VCF-style: chr2-210606782-A-G. GRCh37 (hg19) VCF-style: chr2-211471506-A-G.
Other names: c.2033A>G, p.Gln678Arg (NM_001122633.3, NM_001369257.1); c.2066A>G, p.Gln689Arg (NM_001369256.1); short protein forms Q689R, Q678R.
Identifiers: ClinVar variation 1907303 (VCV001907303.5), dbSNP rs1698928477, ClinGen allele CA350438888.

ClinVar aggregate classification (germline): Uncertain significance (1 of 4 stars; one submission).

Conditions:
Congenital hyperammonemia, type I. Also called: CPS I DEFICIENCY; Carbamoyl-phosphate synthase I deficiency; Carbamoyl phosphate synthetase I deficiency disease; Carbamoyl phosphate synthetase 1 deficiency; Hyperammonemia due to carbamoyl phosphate synthetase 1 deficiency; CPS 1 deficiency. Identifiers: Orphanet 147, MedGen C4082171, MONDO:0009376, OMIM 237300.

Allele frequency attached by ClinVar (database versions not stated): TOPMed below 0.00001.

Submission:

Labcorp Genetics (formerly Invitae), Labcorp
Classification: Uncertain significance for Congenital hyperammonemia, type I. Last evaluated: 2022-06-01. Review status: criteria provided, single submitter. Criteria: Invitae Variant Classification Sherloc (09022015). Collection method: clinical testing. Allele origin: germline.
Comment: In summary, the available evidence is currently insufficient to determine the role of this variant in disease. Therefore, it has been classified as a Variant of Uncertain Significance. This variant disrupts the p.Gln678 amino acid residue in CPS1. Other variant(s) that disrupt this residue have been determined to be pathogenic (PMID: 20578160). This suggests that this residue is clinically significant, and that variants that disrupt this residue are likely to be disease-causing. Algorithms developed to predict the effect of missense changes on protein structure and function (SIFT, PolyPhen-2, Align-GVGD) all suggest that this variant is likely to be tolerated. This variant has not been reported in the literature in individuals affected with CPS1-related conditions. This variant is not present in population databases (gnomAD no frequency). This sequence change replaces glutamine, which is neutral and polar, with arginine, which is basic and polar, at codon 678 of the CPS1 protein (p.Gln678Arg).

Literature cited by the submitters: PubMed 20578160.